The following is an entry in ClinVar:

NM_020879.3(CCDC146):c.778dup (p.Ile260fs)

Gene: CCDC146 (coiled-coil domain containing 146; plus strand). Cytogenetic location: 7q11.23.
Variant type: Duplication.
Coding change: c.778dup on transcript NM_020879.3 (MANE Select); coding-DNA position 778, one base duplicated (A; older notation c.778dupA).
Protein change: p.Ile260fs; shifts the reading frame from isoleucine 260.
Molecular consequence: frameshift variant.
Genome position (GRCh38, 1-based): chr7:77,260,028, A duplicated; the last of 7 consecutive A bases (chr7:77,260,022-77,260,028); duplicating any one gives the same sequence. VCF-style (leftmost placement, unchanged base first): chr7-77260021-G-GA. GRCh37 (hg19) VCF-style: chr7-76889338-G-GA.
Other names: short protein forms I260fs.
Identifiers: ClinVar variation 5019915 (VCV005019915.2).

ClinVar aggregate classification (germline): Likely pathogenic (1 of 4 stars; one submission).

Conditions:
Spermatogenic failure 94. Identifiers: MedGen C5935627, MONDO:0971002, OMIM 620850.

Submission:

Juno Genomics, Hangzhou Juno Genomics, Inc
Classification: Likely pathogenic for Spermatogenic failure 94. Review status: criteria provided, single submitter. Criteria: ACMG Guidelines, 2015. Collection method: clinical testing. Allele origin: germline.
Comment: Absent from controls (or at extremely low frequency if recessive) in Genome Aggregation Database.;Null variant in a gene where loss of function (LOF) is a known mechanism of disease.